The following is an entry in ClinVar:

NM_001036.6(RYR3):c.13760T>C (p.Val4587Ala)

Genes: AVEN (apoptosis and caspase activation inhibitor; minus strand), RYR3 (ryanodine receptor 3; plus strand), LOC126862094 (CDK7 strongly-dependent group 2 enhancer GRCh37_chr15:34145183-34146382; plus strand). Cytogenetic location: 15q14.
Variant type: single nucleotide variant.
Coding change: c.13760T>C on transcript NM_001036.6 (MANE Select); coding-DNA position 13760, T replaced by C.
Protein change: p.Val4587Ala; replaces valine 4587 with alanine.
Molecular consequence: missense variant.
Genome position (GRCh38, 1-based): chr15:33,853,643, T>C. VCF-style: chr15-33853643-T-C. GRCh37 (hg19) VCF-style: chr15-34145844-T-C.
Other names: c.13745T>C, p.Val4582Ala (NM_001243996.4); c.13760T>C (NM_001036.3); short protein forms V4582A, V4587A.
Identifiers: ClinVar variation 1054736 (VCV001054736.11), dbSNP rs750177909, ClinGen allele CA7461756.

ClinVar aggregate classification (germline): Uncertain significance. Review status: criteria provided, multiple submitters, no conflicts (2 of 4 stars). 2 submissions from 2 submitters: Uncertain significance (2). Last evaluated 2025-11-20.

Conditions:
Epileptic encephalopathy. Identifiers: MedGen C0543888, HP:0200134.

Allele frequency attached by ClinVar (database versions not stated): ExAC 0.00001; gnomAD 0.00001 and 0.00002; gnomAD exomes 0.00001; TOPMed 0.00001.
gnomAD v4.1: 17 of 1,613,820 alleles (0.0011%); highest among the groups gnomAD compares: South Asian, 0.0033%; no homozygotes.

Submissions (2):

Ambry Genetics
Classification: Uncertain significance. Last evaluated: 2025-11-20. Review status: criteria provided, single submitter. Criteria: Ambry Variant Classification Scheme 2023. Collection method: clinical testing. Allele origin: germline.

Labcorp Genetics (formerly Invitae), Labcorp
Classification: Uncertain significance for Epileptic encephalopathy. Last evaluated: 2021-01-16. Review status: criteria provided, single submitter. Criteria: Invitae Variant Classification Sherloc (09022015). Collection method: clinical testing. Allele origin: germline.
Comment: Algorithms developed to predict the effect of missense changes on protein structure and function (SIFT, PolyPhen-2, Align-GVGD) all suggest that this variant is likely to be tolerated, but these predictions have not been confirmed by published functional studies and their clinical significance is uncertain. In summary, the available evidence is currently insufficient to determine the role of this variant in disease. Therefore, it has been classified as a Variant of Uncertain Significance. This variant has not been reported in the literature in individuals with RYR3-related conditions. This variant is present in population databases (rs750177909, ExAC 0.001%). This sequence change replaces valine with alanine at codon 4587 of the RYR3 protein (p.Val4587Ala). The valine residue is moderately conserved and there is a small physicochemical difference between valine and alanine.